The following is an entry in ClinVar:

ClinVar aggregate classification (germline): Uncertain significance. Review status: criteria provided, multiple submitters, no conflicts (2 of 4 stars). 2 submissions from 2 submitters: Uncertain significance (2). Last evaluated 2026-06-10.

Conditions:
ACOX2-related disorder. Also called: ACOX2-related condition.

gnomAD v4.1: 25 of 1,613,350 alleles (0.0015%); highest among the groups gnomAD compares: South Asian, 0.0033%; no homozygotes.

Submissions (2):

PreventionGenetics, part of Exact Sciences
Classification: Uncertain significance for ACOX2-related condition. Last evaluated: 2026-06-10. Review status: criteria provided, single submitter. Criteria: ACMG Guidelines, 2015. Collection method: clinical testing. Allele origin: germline.
Comment: The ACOX2 c.1162G>A variant is predicted to result in the amino acid substitution p.Ala388Thr. To our knowledge, this variant has not been reported in the literature. This variant is reported in 0.0029% of alleles in individuals of Latino descent in gnomAD. At this time, the clinical significance of this variant is uncertain due to the absence of conclusive functional and genetic evidence.

Labcorp Genetics (formerly Invitae), Labcorp
Classification: Uncertain significance. Last evaluated: 2024-10-22. Review status: criteria provided, single submitter. Criteria: Invitae Variant Classification Sherloc (09022015). Collection method: clinical testing. Allele origin: germline.
Comment: This sequence change replaces alanine, which is neutral and non-polar, with threonine, which is neutral and polar, at codon 388 of the ACOX2 protein (p.Ala388Thr). This variant is present in population databases (no rsID available, gnomAD 0.003%). This variant has not been reported in the literature in individuals affected with ACOX2-related conditions. Invitae Evidence Modeling of protein sequence and biophysical properties (such as structural, functional, and spatial information, amino acid conservation, physicochemical variation, residue mobility, and thermodynamic stability) has been performed for this missense variant. However, the output from this modeling did not meet the statistical confidence thresholds required to predict the impact of this variant on ACOX2 protein function. In summary, the available evidence is currently insufficient to determine the role of this variant in disease. Therefore, it has been classified as a Variant of Uncertain Significance.

NM_003500.4(ACOX2):c.1162G>A (p.Ala388Thr)

Gene: ACOX2 (acyl-CoA oxidase 2; minus strand). Cytogenetic location: 3p14.3.
Variant type: single nucleotide variant.
Coding change: c.1162G>A on transcript NM_003500.4 (MANE Select); coding-DNA position 1162, G replaced by A.
Protein change: p.Ala388Thr; replaces alanine 388 with threonine.
Molecular consequence: missense variant.
Genome position (GRCh38, 1-based): chr3:58,526,650, C>T on the plus strand (G>A on the coding strand, the complement: ACOX2 is on the minus strand). VCF-style: chr3-58526650-C-T. GRCh37 (hg19) VCF-style: chr3-58512377-C-T.
Other names: c.1162G>A (NM_003500.3); short protein forms A388T.
Identifiers: ClinVar variation 3714514 (VCV003714514.3).